The following is an entry in ClinVar:

ClinVar aggregate classification (germline): Likely benign. Review status: criteria provided, multiple submitters, no conflicts (2 of 4 stars). 6 submissions from 5 submitters: Likely benign (6). Last evaluated 2023-04-24.

Conditions:
Leigh syndrome (NULS). Also called: Leigh's syndrome; Leigh Syndrome (mtDNA deletion); Leigh Disease; Subacute necrotizing encephalopathy; Necrotizing encephalopathy infantile subacute of Leigh; LEIGH SYNDROME, NUCLEAR. Identifiers: Orphanet 506, MedGen C2931891, MONDO:0009723, OMIM 256000.
Mitochondrial complex IV deficiency, nuclear type 1 (MC4DN1). Also called: Mitochondrial complex IV deficiency; Complex 4 mitochondrial respiratory chain deficiency; Deficiency of mitochondrial respiratory chain complex4; Complex IV deficiency; COX DEFICIENCY. Identifiers: MedGen C5435656, MONDO:0700250, OMIM 220110. Disease mechanism: loss of function.

Allele frequency attached by ClinVar (database versions not stated): TOPMed 0.00005.
gnomAD v4.1: 32 of 1,612,276 alleles (0.002%); highest among the groups gnomAD compares: African/African-American, 0.0067%; no homozygotes.

Submissions (6):

Labcorp Genetics (formerly Invitae), Labcorp
Classification: Likely benign. Last evaluated: 2023-04-24. Review status: criteria provided, single submitter. Criteria: Invitae Variant Classification Sherloc (09022015). Collection method: clinical testing. Allele origin: germline.

Blueprint Genetics
Classification: Likely benign. Last evaluated: 2020-12-21. Review status: criteria provided, single submitter. Criteria: ACMG Guidelines, 2015. Collection method: clinical testing. Allele origin: germline.

GeneDx
Classification: Likely benign. Last evaluated: 2018-05-17. Review status: criteria provided, single submitter. Criteria: GeneDx Variant Classification (06012015). Collection method: clinical testing. Allele origin: germline. Affected: yes.
Comment: This variant is considered likely benign or benign based on one or more of the following criteria: it is a conservative change, it occurs at a poorly conserved position in the protein, it is predicted to be benign by multiple in silico algorithms, and/or has population frequency not consistent with disease.

Illumina Laboratory Services, Illumina
Classification: Likely benign for Leigh syndrome. Last evaluated: 2017-04-27. Review status: criteria provided, single submitter. Criteria: ICSL Variant Classification Criteria 13 December 2019. Collection method: clinical testing. Allele origin: germline.
Comment: This variant was observed as part of a predisposition screen in an ostensibly healthy population. A literature search was performed for the gene, cDNA change, and amino acid change (where applicable). No publications were found based on this search. Allele frequency data from public databases allowed determination this variant is unlikely to cause disease. Therefore, this variant is classified as likely benign.

Illumina Laboratory Services, Illumina
Classification: Likely benign for Mitochondrial complex IV deficiency, nuclear type 1. Last evaluated: 2017-04-27. Review status: criteria provided, single submitter. Criteria: ICSL Variant Classification Criteria 13 December 2019. Collection method: clinical testing. Allele origin: germline.
Comment: the same text as in the submission from Illumina Laboratory Services, Illumina above.

Breakthrough Genomics
Classification: Likely benign. Review status: criteria provided, single submitter. Criteria: ACMG Guidelines, 2015. Collection method: not provided. Allele origin: germline. Inheritance: Autosomal recessive inheritance. Affected: yes.

NM_001303.4(COX10):c.675G>T (p.Pro225=)

Gene: COX10 (cytochrome c oxidase assembly factor heme A:farnesyltransferase COX10; plus strand). Cytogenetic location: 17p12.
Variant type: single nucleotide variant.
Coding change: c.675G>T on transcript NM_001303.4 (MANE Select); coding-DNA position 675, G replaced by T.
Protein change: p.Pro225=; no amino-acid change (proline 225 retained).
Molecular consequence: synonymous variant.
Genome position (GRCh38, 1-based): chr17:14,159,927, G>T. VCF-style: chr17-14159927-G-T. GRCh37 (hg19) VCF-style: chr17-14063244-G-T.
Identifiers: ClinVar variation 667521 (VCV000667521.10), dbSNP rs199609301, ClinGen allele CA8402389.
Genomic context (GRCh38, chr17:14,159,927, plus strand): 5'-CTTTTTACAGTTTTTTGAGGTGCCATTTGACTCAAACATGAATAGGACAAAGAACAGACC[G>T]CTGGTTCGTGGACAGATCAGGTAAAATCACGAATACAAGTGTCTTCCACATTATAAAACA-3'
Protein context (NP_001294.2, residues 215-235): DSNMNRTKNR[Pro225=]LVRGQISPLL